The following is an entry in ClinVar:

NM_000342.4(SLC4A1):c.607C>A (p.Gln203Lys)

Gene: SLC4A1 (solute carrier family 4 member 1 (Diego blood group); minus strand). Cytogenetic location: 17q21.31.
Variant type: single nucleotide variant.
Coding change: c.607C>A on transcript NM_000342.4 (MANE Select); coding-DNA position 607, C replaced by A.
Protein change: p.Gln203Lys; replaces glutamine 203 with lysine.
Molecular consequence: missense variant.
Genome position (GRCh38, 1-based): chr17:44,259,811, G>T on the plus strand (C>A on the coding strand, the complement: SLC4A1 is on the minus strand). VCF-style: chr17-44259811-G-T. GRCh37 (hg19) VCF-style: chr17-42337179-G-T.
Other names: short protein forms Q203K.
Identifiers: ClinVar variation 4887786 (VCV004887786.1).
Genomic context (GRCh38, chr17:44,259,811, plus strand): 5'-GAGAAAGCTCTCTCCTTGCCCCACCCTGACCCTGACCCTGACCCTGTAACTGACTCACCT[G>T]CTCACAGAAGAGCTGTGTCTCCAGTGAGGAGTGTTGGGGGAGCAGAGGCTGTGAAGGATC-3'
Protein context (NP_000333.1, residues 193-213): SSLETQLFCE[Gln203Lys]GDGGTEGHSP

ClinVar aggregate classification (germline): Uncertain significance (1 of 4 stars; one submission).

Submission:

Women's Health and Genetics/Laboratory Corporation of America, LabCorp
Classification: Uncertain significance. Last evaluated: 2026-06-19. Review status: criteria provided, single submitter. Criteria: LabCorp Variant Classification Summary - May 2015. Collection method: clinical testing. Allele origin: germline.
Comment: Variant summary: SLC4A1 c.607C>A (p.Gln203Lys) results in a conservative amino acid change in the encoded protein sequence. Algorithms developed to predict the effect of missense changes on protein structure and function all suggest that this variant is likely to be tolerated. Consensus agreement among computation tools predict no significant impact on normal splicing. However, these predictions have yet to be confirmed by functional studies. The variant was absent in 251418 control chromosomes. The available data on variant occurrences in the general population are insufficient to allow any conclusion about variant significance. To our knowledge, no occurrence of c.607C>A in individuals affected with SLC4A1-related conditions and no experimental evidence demonstrating its impact on protein function have been reported. No submitters have cited clinical-significance assessments for this variant to ClinVar. Based on the evidence outlined above, the variant was classified as uncertain significance.